The following is an entry in ClinVar:

NM_001365536.1(SCN9A):c.1947A>G (p.Ile649Met)

Genes: SCN1A-AS1 (SCN1A and SCN9A antisense RNA 1; plus strand), SCN9A (sodium voltage-gated channel alpha subunit 9; minus strand). Cytogenetic location: 2q24.3.
Variant type: single nucleotide variant.
Coding change: c.1947A>G on transcript NM_001365536.1 (MANE Select); coding-DNA position 1947, A replaced by G.
Protein change: p.Ile649Met; replaces isoleucine 649 with methionine.
Molecular consequence: missense variant. On other transcripts: intron variant (1).
Genome position (GRCh38, 1-based): chr2:166,284,480, T>C on the plus strand (A>G on the coding strand, the complement: SCN9A is on the minus strand). VCF-style: chr2-166284480-T-C. GRCh37 (hg19) VCF-style: chr2-167140990-T-C.
Other names: c.1941+6A>G (NM_002977.4); short protein forms I649M.
Identifiers: ClinVar variation 2093599 (VCV002093599.4), dbSNP rs2468032549, ClinGen allele CA349082601.

ClinVar aggregate classification (germline): Uncertain significance (1 of 4 stars; one submission).

Conditions:
Generalized epilepsy with febrile seizures plus, type 7 (GEFSP7). Also called: GEFS+, TYPE 7. Identifiers: Orphanet 36387, MedGen C2751778, MONDO:0013470, OMIM 613863.
Neuropathy, hereditary sensory and autonomic, type 2A (HSAN2A). Also called: ACROOSTEOLYSIS, GIACCAI TYPE; ACROOSTEOLYSIS, NEUROGENIC; HSAN IIA; MORVAN DISEASE; NEUROPATHY, CONGENITAL SENSORY; NEUROPATHY, HEREDITARY SENSORY RADICULAR, AUTOSOMAL RECESSIVE. Identifiers: Orphanet 970, MedGen C2752089, MONDO:0024309, OMIM 201300.

Submission:

Labcorp Genetics (formerly Invitae), Labcorp
Classification: Uncertain significance for Neuropathy, hereditary sensory and autonomic, type 2A; Generalized epilepsy with febrile seizures plus, type 7. Last evaluated: 2022-03-31. Review status: criteria provided, single submitter. Criteria: Invitae Variant Classification Sherloc (09022015). Collection method: clinical testing. Allele origin: germline.
Comment: This sequence change falls in intron 12 of the SCN9A gene. It does not directly change the encoded amino acid sequence of the SCN9A protein. It affects a nucleotide within the consensus splice site. This variant is not present in population databases (gnomAD no frequency). This variant has not been reported in the literature in individuals affected with SCN9A-related conditions. Variants that disrupt the consensus splice site are a relatively common cause of aberrant splicing (PMID: 17576681, 9536098). Algorithms developed to predict the effect of sequence changes on RNA splicing suggest that this variant may create or strengthen a splice site. In summary, the available evidence is currently insufficient to determine the role of this variant in disease. Therefore, it has been classified as a Variant of Uncertain Significance.

Literature cited by the submitters: PubMed 17576681; PubMed 9536098.